The following is an entry in ClinVar:

ClinVar aggregate classification (germline): Uncertain significance (1 of 4 stars; one submission).

gnomAD v4.1: 1 of 1,613,898 alleles (0.000062%); highest among the groups gnomAD compares: Non-Finnish European, 0.000085%; no homozygotes.

Submission:

Labcorp Genetics (formerly Invitae), Labcorp
Classification: Uncertain significance. Last evaluated: 2021-12-24. Review status: criteria provided, single submitter. Criteria: Invitae Variant Classification Sherloc (09022015). Collection method: clinical testing. Allele origin: germline.
Comment: This sequence change replaces isoleucine, which is neutral and non-polar, with leucine, which is neutral and non-polar, at codon 250 of the TNNI3K protein (p.Ile250Leu). This variant is not present in population databases (gnomAD no frequency). This variant has not been reported in the literature in individuals affected with TNNI3K-related conditions. Algorithms developed to predict the effect of missense changes on protein structure and function output the following: SIFT: "Deleterious"; PolyPhen-2: "Benign"; Align-GVGD: "Class C0". The leucine amino acid residue is found in multiple mammalian species, which suggests that this missense change does not adversely affect protein function. In summary, the available evidence is currently insufficient to determine the role of this variant in disease. Therefore, it has been classified as a Variant of Uncertain Significance.

NM_015978.3(TNNI3K):c.748A>T (p.Ile250Leu)

Genes: FPGT-TNNI3K (FPGT-TNNI3K readthrough; plus strand), TNNI3K (TNNI3 interacting kinase; plus strand). Cytogenetic location: 1p31.1.
Variant type: single nucleotide variant.
Coding change: c.748A>T on transcript NM_015978.3 (MANE Select); coding-DNA position 748, A replaced by T.
Protein change: p.Ile250Leu; replaces isoleucine 250 with leucine.
Molecular consequence: missense variant.
Genome position (GRCh38, 1-based): chr1:74,342,907, A>T. VCF-style: chr1-74342907-A-T. GRCh37 (hg19) VCF-style: chr1-74808591-A-T.
Other names: c.1051A>T, p.Ile351Leu (NM_001112808.3, NM_001199327.2); short protein forms I250L, I351L.
Identifiers: ClinVar variation 2057066 (VCV002057066.4), dbSNP rs201769579, ClinGen allele CA340781644.